The following is an entry in ClinVar:

ClinVar aggregate classification (germline): Uncertain significance (1 of 4 stars; one submission).

Conditions:
NCOR1-related disorder. Also called: NCOR1-related condition.

gnomAD v4.1: 12 of 1,614,024 alleles (0.00074%); highest among the groups gnomAD compares: South Asian, 0.0011%; no homozygotes.

Submission:

PreventionGenetics, part of Exact Sciences
Classification: Uncertain significance for NCOR1-related condition. Last evaluated: 2026-07-27. Review status: criteria provided, single submitter. Criteria: ACMG Guidelines, 2015. Collection method: clinical testing. Allele origin: germline.
Comment: The NCOR1 c.5170C>T variant is predicted to result in the amino acid substitution p.Arg1724Trp. To our knowledge, this variant has not been reported in the literature or in a large population database (gnomAD), indicating this variant is rare. At this time, the clinical significance of this variant is uncertain due to the absence of conclusive functional and genetic evidence.

NM_006311.4(NCOR1):c.5170C>T (p.Arg1724Trp)

Gene: NCOR1 (nuclear receptor corepressor 1; minus strand). Cytogenetic location: 17p12.
Variant type: single nucleotide variant.
Coding change: c.5170C>T on transcript NM_006311.4 (MANE Select); coding-DNA position 5170, C replaced by T.
Protein change: p.Arg1724Trp; replaces arginine 1724 with tryptophan.
Molecular consequence: missense variant.
Genome position (GRCh38, 1-based): chr17:16,064,119, G>A on the plus strand (C>T on the coding strand, the complement: NCOR1 is on the minus strand). VCF-style: chr17-16064119-G-A. GRCh37 (hg19) VCF-style: chr17-15967433-G-A.
Other names: c.5218C>T, p.Arg1740Trp (NM_001190440.2, NM_001439115.1); c.5392C>T, p.Arg1798Trp (NM_001439111.1); c.5248C>T, p.Arg1750Trp (NM_001439112.1); c.5245C>T, p.Arg1749Trp (NM_001439113.1); c.5221C>T, p.Arg1741Trp (NM_001439114.1); c.5173C>T, p.Arg1725Trp (NM_001439116.1); short protein forms R1741W, R1724W, R1749W, R1798W, R1725W, R1740W, R1750W.
Identifiers: ClinVar variation 4993007 (VCV004993007.1).